The following is an entry in ClinVar:

ClinVar aggregate classification (germline): Uncertain significance. Review status: criteria provided, multiple submitters, no conflicts (2 of 4 stars). 2 submissions from 2 submitters: Uncertain significance (2). Last evaluated 2025-05-07.

Conditions:
PHGDH deficiency. Identifiers: Orphanet 79351, MedGen C1866174, MONDO:0011152, OMIM 601815.

Allele frequency attached by ClinVar (database versions not stated): gnomAD exomes 0.00002; TOPMed 0.00003; ExAC 0.00002; gnomAD 0.00004 and 0.00003.
gnomAD v4.1: 191 of 1,612,932 alleles (0.012%); highest among the groups gnomAD compares: Non-Finnish European, 0.016%; no homozygotes.

Submissions (2):

GeneDx
Classification: Uncertain significance. Last evaluated: 2025-05-07. Review status: criteria provided, single submitter. Criteria: GeneDx Variant Classification Process June 2021. Collection method: clinical testing. Allele origin: germline.
Comment: Not observed at significant frequency in large population cohorts (gnomAD); In silico analysis supports a deleterious effect on splicing; Has not been previously published as pathogenic or benign to our knowledge

Labcorp Genetics (formerly Invitae), Labcorp
Classification: Uncertain significance for PHGDH deficiency. Last evaluated: 2022-06-13. Review status: criteria provided, single submitter. Criteria: Invitae Variant Classification Sherloc (09022015). Collection method: clinical testing. Allele origin: germline.
Comment: This sequence change falls in intron 10 of the PHGDH gene. It does not directly change the encoded amino acid sequence of the PHGDH protein. It affects a nucleotide within the consensus splice site. This variant is present in population databases (rs771825779, gnomAD 0.006%). This variant has not been reported in the literature in individuals affected with PHGDH-related conditions. Variants that disrupt the consensus splice site are a relatively common cause of aberrant splicing (PMID: 17576681, 9536098). Algorithms developed to predict the effect of sequence changes on RNA splicing suggest that this variant may disrupt the consensus splice site. In summary, the available evidence is currently insufficient to determine the role of this variant in disease. Therefore, it has been classified as a Variant of Uncertain Significance.

Literature cited by the submitters: PubMed 17576681 (cited by Labcorp Genetics (formerly Invitae), Labcorp); PubMed 9536098 (cited by Labcorp Genetics (formerly Invitae), Labcorp).

NM_006623.4(PHGDH):c.1209+3G>C

Gene: PHGDH (phosphoglycerate dehydrogenase; plus strand). Cytogenetic location: 1p12.
Variant type: single nucleotide variant.
Coding change: c.1209+3G>C on transcript NM_006623.4 (MANE Select); 3 bases into the intron after coding-DNA position 1209, G replaced by C.
Molecular consequence: intron variant.
Genome position (GRCh38, 1-based): chr1:119,741,900, G>C. VCF-style: chr1-119741900-G-C. GRCh37 (hg19) VCF-style: chr1-120284523-G-C.
Identifiers: ClinVar variation 1522178 (VCV001522178.4), dbSNP rs771825779, ClinGen allele CA1037390.